The following is an entry in ClinVar:

NM_012216.4(MID2):c.2003A>G (p.Tyr668Cys)

Genes: MID2 (midline 2; plus strand), LOC101928335 (uncharacterized LOC101928335; minus strand). Cytogenetic location: Xq22.3.
Variant type: single nucleotide variant.
Coding change: c.2003A>G on transcript NM_012216.4 (MANE Select); coding-DNA position 2003, A replaced by G.
Protein change: p.Tyr668Cys; replaces tyrosine 668 with cysteine.
Molecular consequence: missense variant.
Genome position (GRCh38, 1-based): chrX:107,926,868, A>G. VCF-style: chrX-107926868-A-G. GRCh37 (hg19) VCF-style: chrX-107170098-A-G.
Other names: c.1943A>G, p.Tyr648Cys (NM_001382751.1); c.1853A>G, p.Tyr618Cys (NM_001382752.1); c.1913A>G, p.Tyr638Cys (NM_052817.3); short protein forms Y618C, Y638C, Y648C, Y668C.
Identifiers: ClinVar variation 3338195 (VCV003338195.2).
Genomic context (GRCh38, chrX:107,926,868, plus strand): 5'-CCCCACACCTGAAGCGTCTGGGTGTCCTCCTGGATTATGACAACAATATGCTGTCTTTCT[A>G]TGACCCAGCTAACTCTCTCCATCTTCATACTTTTGATGTGACCTTCATTCTTCCAGTTTG-3'
Protein context (NP_036348.2, residues 658-678): LDYDNNMLSF[Tyr668Cys]DPANSLHLHT

ClinVar aggregate classification (germline): Uncertain significance (0 of 4 stars; one submission).

Conditions:
Autism (AUTS). Also called: Autistic disorder of childhood onset; Autistic disorder. Identifiers: MedGen C0004352, MeSH D001321, MONDO:0005260, OMIM 209850, HP:0000717.

gnomAD v4.1: 2 of 1,210,774 alleles (0.00017%); highest among the groups gnomAD compares: Non-Finnish European, 0.00011%; no homozygotes.

Submission:

Centre for Addiction & Mental Health
Classification: Uncertain significance for Autism. Review status: no assertion criteria provided. Collection method: research. Allele origin: maternal. Affected: yes. Observed: 1 hemizygote. Segregation with disease observed.
Comment: Nonsynonymous variant in known disease gene; no homozygotes in gnomAD control data, but no functional assay data available